The following is an entry in ClinVar:

NM_002691.4(POLD1):c.970+16C>T

Gene: POLD1 (DNA polymerase delta 1, catalytic subunit; plus strand). Cytogenetic location: 19q13.33.
Variant type: single nucleotide variant.
Coding change: c.970+16C>T on transcript NM_002691.4 (MANE Select); 16 bases into the intron after coding-DNA position 970, C replaced by T.
Molecular consequence: intron variant.
Genome position (GRCh38, 1-based): chr19:50,402,757, C>T. VCF-style: chr19-50402757-C-T. GRCh37 (hg19) VCF-style: chr19-50906014-C-T.
Other names: c.970+16C>T (NM_001256849.1, NM_001308632.1, LRG_785t1 and 1 more transcripts).
Identifiers: ClinVar variation 513837 (VCV000513837.9), dbSNP rs1274238184, ClinGen allele CA633897634.

ClinVar aggregate classification (germline): Likely benign. Review status: criteria provided, multiple submitters, no conflicts (2 of 4 stars). 3 submissions from 3 submitters: Likely benign (3). Last evaluated 2025-08-13.

Conditions:
POLD1-related polyposis and colorectal cancer syndrome (CRCS10). Also called: Colorectal cancer 10; COLORECTAL CANCER, SUSCEPTIBILITY TO, ON CHROMOSOME 19q; Colorectal cancer, susceptibility to, 10. Identifiers: Orphanet 220460, MedGen C2675481, MONDO:0012953, OMIM 612591.

Allele frequency attached by ClinVar (database versions not stated): gnomAD 0.00001; gnomAD exomes 0.00001; TOPMed 0.00002.
gnomAD v4.1: 9 of 1,573,412 alleles (0.00057%); highest among the groups gnomAD compares: South Asian, 0.0011%; no homozygotes.

Submissions (3):

Labcorp Genetics (formerly Invitae), Labcorp
Classification: Likely benign for POLD1-related polyposis and colorectal cancer syndrome. Last evaluated: 2025-08-13. Review status: criteria provided, single submitter. Criteria: Invitae Variant Classification Sherloc (09022015). Collection method: clinical testing. Allele origin: germline.

Blueprint Genetics
Classification: Likely benign. Last evaluated: 2024-04-03. Review status: criteria provided, single submitter. Criteria: ACMG Guidelines, 2015. Collection method: clinical testing. Allele origin: germline.

GeneDx
Classification: Likely benign. Last evaluated: 2017-11-28. Review status: criteria provided, single submitter. Criteria: GeneDx Variant Classification (06012015). Collection method: clinical testing. Allele origin: germline. Affected: yes.
Comment: This variant is considered likely benign or benign based on one or more of the following criteria: it is a conservative change, it occurs at a poorly conserved position in the protein, it is predicted to be benign by multiple in silico algorithms, and/or has population frequency not consistent with disease.